The following is an entry in ClinVar:

ClinVar aggregate classification (germline): Benign (0 of 4 stars; one submission).

Conditions:
OMG-related disorder. Also called: OMG-related condition.

Allele frequency attached by ClinVar (database versions not stated): 1000 Genomes Project 0.04093; 1000 Genomes Project 30x 0.04169; TOPMed 0.07747; gnomAD 0.08124; ESP Exome Variant Server 0.08804; ExAC 0.09271; gnomAD exomes 0.11874.
gnomAD v4.1: 184,716 of 1,613,850 alleles (11%); highest among the groups gnomAD compares: Non-Finnish European, 13%; 12,075 homozygotes.

Submission:

PreventionGenetics, part of Exact Sciences
Classification: Benign for OMG-related condition. Last evaluated: 2019-10-21. Review status: no assertion criteria provided. Collection method: clinical testing. Allele origin: germline.
Comment: This variant is classified as benign based on ACMG/AMP sequence variant interpretation guidelines (Richards et al. 2015 PMID: 25741868, with internal and published modifications).

NM_002544.5(OMG):c.62G>A (p.Gly21Asp)

Genes: NF1 (neurofibromin 1; plus strand), OMG (oligodendrocyte myelin glycoprotein; minus strand). Cytogenetic location: 17q11.2.
Variant type: single nucleotide variant.
Coding change: c.62G>A on transcript NM_002544.5 (MANE Select); coding-DNA position 62, G replaced by A.
Protein change: p.Gly21Asp; replaces glycine 21 with aspartic acid.
Molecular consequence: missense variant. On other transcripts: intron variant (2).
Genome position (GRCh38, 1-based): chr17:31,296,270, C>T on the plus strand (G>A on the coding strand, the complement: OMG is on the minus strand). VCF-style: chr17-31296270-C-T. GRCh37 (hg19) VCF-style: chr17-29623288-C-T.
Other names: c.4836-29550C>T (NM_001042492.3); c.4773-29550C>T (NM_000267.4); short protein forms G21D.
Identifiers: ClinVar variation 3055468 (VCV003055468.2), dbSNP rs11080149, ClinGen allele CA8486632.
Genomic context (GRCh38, chr17:31,296,270, plus strand): 5'-CAGTCCACATGCCTGTGCCTCTCTGTGCATATACATTGGAGAGGACAAATGCATAAAATA[C>T]CAGGTGTGAGAAACAGAAGGATGAACAGGCAGAGAGACATTTTCAATATCTGATATTCCA-3'
Protein context (NP_002535.3, residues 11-31): CLFILLFLTP[Gly21Asp]ILCICPLQCI